The following is an entry in ClinVar:

NM_198578.4(LRRK2):c.3267C>A (p.Asn1089Lys)

Gene: LRRK2 (leucine rich repeat kinase 2; plus strand). Cytogenetic location: 12q12.
Variant type: single nucleotide variant.
Coding change: c.3267C>A on transcript NM_198578.4 (MANE Select); coding-DNA position 3267, C replaced by A.
Protein change: p.Asn1089Lys; replaces asparagine 1089 with lysine.
Molecular consequence: missense variant.
Genome position (GRCh38, 1-based): chr12:40,298,413, C>A. VCF-style: chr12-40298413-C-A. GRCh37 (hg19) VCF-style: chr12-40692215-C-A.
Other names: short protein forms N1089K.
Identifiers: ClinVar variation 1729581 (VCV001729581.2), dbSNP rs2499746493, ClinGen allele CA384414908.

ClinVar aggregate classification (germline): Uncertain significance (1 of 4 stars; one submission).

Conditions:
Inborn genetic diseases. Identifiers: MedGen C0950123, MeSH D030342.

Allele frequency attached by ClinVar (database versions not stated): gnomAD exomes below 0.00001.
gnomAD v4.1: 1 of 1,613,812 alleles (0.000062%); highest among the groups gnomAD compares: Non-Finnish European, 0.000085%; no homozygotes.

Submission:

Ambry Genetics
Classification: Uncertain significance for Inborn genetic diseases. Last evaluated: 2021-07-12. Review status: criteria provided, single submitter. Criteria: Ambry Variant Classification Scheme 2023. Collection method: clinical testing. Allele origin: germline.
Comment: The p.N1089K variant (also known as c.3267C>A), located in coding exon 24 of the LRRK2 gene, results from a C to A substitution at nucleotide position 3267. The asparagine at codon 1089 is replaced by lysine, an amino acid with similar properties. This amino acid position is conserved. In addition, this alteration is predicted to be tolerated by in silico analysis. Since supporting evidence is limited at this time, the clinical significance of this alteration remains unclear.